The following is an entry in ClinVar:

ClinVar aggregate classification (germline): Uncertain significance. Review status: criteria provided, multiple submitters, no conflicts (2 of 4 stars). 2 submissions from 2 submitters: Uncertain significance (2). Last evaluated 2025-03-21.

Submissions (2):

Women's Health and Genetics/Laboratory Corporation of America, LabCorp
Classification: Uncertain significance. Last evaluated: 2025-03-21. Review status: criteria provided, single submitter. Criteria: LabCorp Variant Classification Summary - May 2015. Collection method: clinical testing. Allele origin: germline.
Comment: Variant summary: PRKDC c.3143A>G (p.Gln1048Arg) results in a conservative amino acid change in the encoded protein sequence. Three of five in-silico tools predict a damaging effect of the variant on protein function. The variant was absent in 249182 control chromosomes. The available data on variant occurrences in the general population are insufficient to allow any conclusion about variant significance. To our knowledge, no occurrence of c.3143A>G in individuals affected with Severe Combined Immunodeficiency and no experimental evidence demonstrating its impact on protein function have been reported. ClinVar contains an entry for this variant (Variation ID: 1728111). Based on the evidence outlined above, the variant was classified as uncertain significance.

Ambry Genetics
Classification: Uncertain significance. Last evaluated: 2021-12-09. Review status: criteria provided, single submitter. Criteria: Ambry Variant Classification Scheme 2023. Collection method: clinical testing. Allele origin: germline.
Comment: The p.Q1048R variant (also known as c.3143A>G), located in coding exon 27 of the PRKDC gene, results from an A to G substitution at nucleotide position 3143. The glutamine at codon 1048 is replaced by arginine, an amino acid with highly similar properties. This amino acid position is conserved. In addition, the in silico prediction for this alteration is inconclusive. Since supporting evidence is limited at this time, the clinical significance of this alteration remains unclear.

NM_006904.7(PRKDC):c.3143A>G (p.Gln1048Arg)

Gene: PRKDC (protein kinase, DNA-activated, catalytic subunit; minus strand). Cytogenetic location: 8q11.21.
Variant type: single nucleotide variant.
Coding change: c.3143A>G on transcript NM_006904.7 (MANE Select); coding-DNA position 3143, A replaced by G.
Protein change: p.Gln1048Arg; replaces glutamine 1048 with arginine.
Molecular consequence: missense variant.
Genome position (GRCh38, 1-based): chr8:47,902,695, T>C on the plus strand (A>G on the coding strand, the complement: PRKDC is on the minus strand). VCF-style: chr8-47902695-T-C. GRCh37 (hg19) VCF-style: chr8-48815255-T-C.
Other names: c.3143A>G, p.Gln1048Arg (NM_001081640.2); short protein forms Q1048R.
Identifiers: ClinVar variation 1728111 (VCV001728111.3), dbSNP rs2551875581, ClinGen allele CA371156945.